The following is an entry in ClinVar:

NM_000257.4(MYH7):c.3177G>T (p.Leu1059=)

Gene: MYH7 (myosin heavy chain 7; minus strand). Cytogenetic location: 14q11.2.
Variant type: single nucleotide variant.
Coding change: c.3177G>T on transcript NM_000257.4 (MANE Select); coding-DNA position 3177, G replaced by T.
Protein change: p.Leu1059=; no amino-acid change (leucine 1059 retained).
Molecular consequence: synonymous variant.
Genome position (GRCh38, 1-based): chr14:23,422,248, C>A on the plus strand (G>T on the coding strand, the complement: MYH7 is on the minus strand). VCF-style: chr14-23422248-C-A. GRCh37 (hg19) VCF-style: chr14-23891457-C-A.
Other names: c.3177G>T (LRG_384t1).
Identifiers: ClinVar variation 390306 (VCV000390306.12), dbSNP rs746453011, ClinGen allele CA036063.
Genomic context (GRCh38, chr14:23,422,248, plus strand): 5'-CCGCTCATCCAGCTGCTGCTTGTCATTCTCCAGGTCCATGATGCTCTCCTGGGTCAGCTT[C>A]AGGTCGCCCTCCAGCTTCCGCTTCGCTCGCTCCAGGTCCATGCGCACCTTCTTCTCTTGC-3'
Protein context (NP_000248.2, residues 1049-1069): ERAKRKLEGD[Leu1059=]KLTQESIMDL

ClinVar aggregate classification (germline): Likely benign. Review status: criteria provided, multiple submitters, no conflicts (2 of 4 stars). 4 submissions from 4 submitters: Likely benign (4). Last evaluated 2025-10-22.

Conditions:
Hypertrophic cardiomyopathy 1 (CMH1). Also called: Familial hypertrophic cardiomyopathy 1; MYH7-Related Familial Hypertrophic Cardiomyopathy. Identifiers: MedGen C3495498, MONDO:0008647, OMIM 192600.
Myopathy, myosin storage, autosomal recessive (CMYO7B). Also called: CONGENITAL MYOPATHY 7B, MYOSIN STORAGE, AUTOSOMAL RECESSIVE. Identifiers: Orphanet 636970, MedGen C1850709, MONDO:0009708, OMIM 255160.
Dilated cardiomyopathy 1S (CMD1S). Identifiers: Orphanet 154, Orphanet 54260, MedGen C1834481, MONDO:0013262, OMIM 613426.
Congenital myopathy with fiber type disproportion. Also called: Congenital fiber-type disproportion myopathy; Congenital fiber-type disproportion. Identifiers: Orphanet 2020, MedGen C0546264, MONDO:0009711. Inheritance: all.
Myosin storage myopathy (CMYO7A). Also called: MYOPATHY WITH LYSIS OF TYPE I MYOFIBRILS; MYOPATHY, HYALINE BODY, AUTOSOMAL DOMINANT; MYH7-related late-onset scapuloperoneal muscular dystrophy; Congenital myopathy 7A, myosin storage, autosomal dominant; Scapuloperoneal myopathy, MYH7-related; SCAPULOPERONEAL MUSCULAR DYSTROPHY. Identifiers: Orphanet 437572, Orphanet 636965, MedGen C1842160, MONDO:0008409, OMIM 608358.
MYH7-related skeletal myopathy. Also called: Laing early-onset distal myopathy; Myopathy, distal, 1; Laing distal myopathy; MYOPATHY, DISTAL, EARLY-ONSET, AUTOSOMAL DOMINANT; MYOPATHY, LATE DISTAL HEREDITARY. Identifiers: Orphanet 59135, MedGen C4552004, MONDO:0008050, OMIM 160500.
Hypertrophic cardiomyopathy. Also called: HYPERTROPHIC MYOCARDIOPATHY. Identifiers: Orphanet 217569, MedGen C0007194, MeSH D002312, MONDO:0005045, HP:0001639.
Cardiomyopathy (CMYO). Also called: Cardiomyopathies. Identifiers: Orphanet 167848, MedGen C0878544, MONDO:0004994, HP:0001638. Inheritance: Various modes of inheritance.

Allele frequency attached by ClinVar (database versions not stated): gnomAD exomes below 0.00001 and 0.00001; ExAC 0.00001.
gnomAD v4.1: 7 of 1,614,058 alleles (0.00043%); highest among the groups gnomAD compares: Non-Finnish European, 0.00059%; no homozygotes.

Submissions (4):

Labcorp Genetics (formerly Invitae), Labcorp
Classification: Likely benign for Hypertrophic cardiomyopathy. Last evaluated: 2025-10-22. Review status: criteria provided, single submitter. Criteria: Invitae Variant Classification Sherloc (09022015). Collection method: clinical testing. Allele origin: germline.

Fulgent Genetics
Classification: Likely benign for MYH7-related skeletal myopathy; Myosin storage myopathy; Hypertrophic cardiomyopathy 1; Myopathy, myosin storage, autosomal recessive; Congenital myopathy 4A, autosomal dominant; Dilated cardiomyopathy 1S. Last evaluated: 2021-10-11. Review status: criteria provided, single submitter. Criteria: ACMG Guidelines, 2015. Collection method: clinical testing. Allele origin: unknown.

Color Diagnostics, LLC DBA Color Health
Classification: Likely benign for Cardiomyopathy. Last evaluated: 2019-12-03. Review status: criteria provided, single submitter. Criteria: ACMG Guidelines, 2015. Collection method: clinical testing. Allele origin: germline.

GeneDx
Classification: Likely benign. Last evaluated: 2016-10-27. Review status: criteria provided, single submitter. Criteria: GeneDx Variant Classification (06012015). Collection method: clinical testing. Allele origin: germline. Affected: yes.
Comment: This variant is considered likely benign or benign based on one or more of the following criteria: it is a conservative change, it occurs at a poorly conserved position in the protein, it is predicted to be benign by multiple in silico algorithms, and/or has population frequency not consistent with disease.